The following is an entry in ClinVar:

ClinVar aggregate classification (germline): Likely benign (0 of 4 stars; one submission).

Conditions:
LMX1B-related disorder. Also called: LMX1B-related condition.

gnomAD v4.1: 4 of 1,175,274 alleles (0.00034%); highest among the groups gnomAD compares: Non-Finnish European, 0.00049%; no homozygotes.

Submission:

PreventionGenetics, part of Exact Sciences
Classification: Likely benign for LMX1B-related condition. Last evaluated: 2023-08-18. Review status: no assertion criteria provided. Collection method: clinical testing. Allele origin: germline.
Comment: This variant is classified as likely benign based on ACMG/AMP sequence variant interpretation guidelines (Richards et al. 2015 PMID: 25741868, with internal and published modifications).

NM_001174147.2(LMX1B):c.886+17G>T

Gene: LMX1B (LIM homeobox transcription factor 1 beta; plus strand). Cytogenetic location: 9q33.3.
Variant type: single nucleotide variant.
Coding change: c.886+17G>T on transcript NM_001174147.2 (MANE Select); 17 bases into the intron after coding-DNA position 886, G replaced by T.
Molecular consequence: intron variant. On other transcripts: synonymous variant (1).
Genome position (GRCh38, 1-based): chr9:126,693,829, G>T. VCF-style: chr9-126693829-G-T. GRCh37 (hg19) VCF-style: chr9-129456108-G-T.
Other names: c.903G>T, p.Gly301= (NM_001174146.2); c.886+17G>T (NM_002316.4).
Identifiers: ClinVar variation 3044856 (VCV003044856.2), dbSNP rs1366783759, ClinGen allele CA467136775.
Genomic context (GRCh38, chr9:126,693,829, plus strand): 5'-CCAGCAGCAGCAGGAGCAGCAGAACTCCCAGCGGCTGGGCCAGGGTGAGCCGGGGCCGGG[G>T]CAGGGCCTGGGCCAGGGTGAGCTGGGGCCGGGGCCAGGGGTGGGCCTAGGCCAGGGTGAG-3'